The following is an entry in ClinVar:

NM_015294.6(TRIM37):c.1667+2T>G

Gene: TRIM37 (tripartite motif containing 37; minus strand). Cytogenetic location: 17q22.
Variant type: single nucleotide variant.
Coding change: c.1667+2T>G on transcript NM_015294.6 (MANE Select); the canonical splice donor site of the intron after coding-DNA position 1667, T replaced by G.
Molecular consequence: splice donor variant.
Genome position (GRCh38, 1-based): chr17:59,047,681, A>C on the plus strand (T>G on the coding strand, the complement: TRIM37 is on the minus strand). VCF-style: chr17-59047681-A-C. GRCh37 (hg19) VCF-style: chr17-57125042-A-C.
Other names: c.1667+2T>G (NM_001320989.3, NM_001005207.5, NM_001320988.3 and 1 more transcripts); c.1205+2T>G (NM_001353085.2); c.1565+2T>G (NM_001320987.3, NM_001353082.2); c.1616+2T>G (NM_001353086.2); c.932+2T>G (NM_001353083.2); c.1301+2T>G (NM_001320990.3).
Identifiers: ClinVar variation 2865273 (VCV002865273.3), dbSNP rs2545574096, ClinGen allele CA400399925.

ClinVar aggregate classification (germline): Likely pathogenic (1 of 4 stars; one submission).

Submission:

Labcorp Genetics (formerly Invitae), Labcorp
Classification: Likely pathogenic. Last evaluated: 2023-05-18. Review status: criteria provided, single submitter. Criteria: Invitae Variant Classification Sherloc (09022015). Collection method: clinical testing. Allele origin: germline.
Comment: In summary, the currently available evidence indicates that the variant is pathogenic, but additional data are needed to prove that conclusively. Therefore, this variant has been classified as Likely Pathogenic. Algorithms developed to predict the effect of sequence changes on RNA splicing suggest that this variant may disrupt the consensus splice site. This sequence change affects a donor splice site in intron 16 of the TRIM37 gene. It is expected to disrupt RNA splicing. Variants that disrupt the donor or acceptor splice site typically lead to a loss of protein function (PMID: 16199547), and loss-of-function variants in TRIM37 are known to be pathogenic (PMID: 10888877, 15108285). This variant is not present in population databases (gnomAD no frequency). This variant has not been reported in the literature in individuals affected with TRIM37-related conditions.

Literature cited by the submitters: PubMed 16199547; PubMed 10888877; PubMed 15108285.